The following is an entry in ClinVar:

NM_019055.6(ROBO4):c.92C>T (p.Pro31Leu)

Gene: ROBO4 (roundabout guidance receptor 4; minus strand). Cytogenetic location: 11q24.2.
Variant type: single nucleotide variant.
Coding change: c.92C>T on transcript NM_019055.6 (MANE Select); coding-DNA position 92, C replaced by T.
Protein change: p.Pro31Leu; replaces proline 31 with leucine.
Molecular consequence: missense variant. On other transcripts: intron variant (1).
Genome position (GRCh38, 1-based): chr11:124,897,240, G>A on the plus strand (C>T on the coding strand, the complement: ROBO4 is on the minus strand). VCF-style: chr11-124897240-G-A. GRCh37 (hg19) VCF-style: chr11-124767136-G-A.
Other names: c.-159-185C>T (NM_001301088.2); short protein forms P31L.
Identifiers: ClinVar variation 2634997 (VCV002634997.1), dbSNP rs998371318, ClinGen allele CA230412638.

ClinVar aggregate classification (germline): Uncertain significance (1 of 4 stars; one submission).

Conditions:
ROBO4-related disorder. Also called: ROBO4-related condition.

gnomAD v4.1: 18 of 1,454,136 alleles (0.0012%); highest among the groups gnomAD compares: African/African-American, 0.0028%; no homozygotes.

Submission:

PreventionGenetics, part of Exact Sciences
Classification: Uncertain significance for ROBO4-related condition. Last evaluated: 2023-03-22. Review status: criteria provided, single submitter. Criteria: ACMG Guidelines, 2015. Collection method: clinical testing. Allele origin: germline.
Comment: The ROBO4 c.92C>T variant is predicted to result in the amino acid substitution p.Pro31Leu. To our knowledge, this variant has not been reported in the literature or in a large population database, indicating this variant is rare. At this time, the clinical significance of this variant is uncertain due to the absence of conclusive functional and genetic evidence.